The following is an entry in ClinVar:

NM_001458.5(FLNC):c.1307dup (p.Arg437fs)

Gene: FLNC (filamin C; plus strand). Cytogenetic location: 7q32.1.
Variant type: Duplication.
Coding change: c.1307dup on transcript NM_001458.5 (MANE Select); coding-DNA position 1307, one base duplicated (T; older notation c.1307dupT).
Protein change: p.Arg437fs; shifts the reading frame from arginine 437.
Molecular consequence: frameshift variant.
Genome position (GRCh38, 1-based): chr7:128,838,699, T duplicated; the last of 2 consecutive T bases (chr7:128,838,698-128,838,699); duplicating either gives the same sequence. VCF-style (leftmost placement, unchanged base first): chr7-128838697-G-GT. GRCh37 (hg19) VCF-style: chr7-128478751-G-GT.
Other names: c.1307dup, p.Arg437fs (NM_001127487.2); short protein forms R437fs.
Identifiers: ClinVar variation 4076485 (VCV004076485.1).

ClinVar aggregate classification (germline): Likely pathogenic (1 of 4 stars; one submission).

Conditions:
Cardiovascular phenotype. Identifiers: MedGen CN230736.

Submission:

Molecular Diagnostic Laboratory for Inherited Cardiovascular Disease, Montreal Heart Institute
Classification: Likely pathogenic for Cardiovascular phenotype. Last evaluated: 2025-07-22. Review status: criteria provided, single submitter. Criteria: ACMG Guidelines, 2015. Collection method: clinical testing. Allele origin: germline. Affected: yes.
Comment: PVS1, PM2